The following is an entry in ClinVar:

ClinVar aggregate classification (germline): Uncertain significance (1 of 4 stars; one submission).

Conditions:
Cognitive impairment - coarse facies - heart defects - obesity - pulmonary involvement - short stature - skeletal dysplasia syndrome. Also called: AFF4-Related CHOPS Syndrome; COGNITIVE IMPAIRMENT, COARSE FACIES, HEART DEFECTS, OBESITY, PULMONARY INVOLVEMENT, SHORT STATURE, AND SKELETAL DYSPLASIA; Chops syndrome. Identifiers: Orphanet 444077, MedGen C4085597, MONDO:0014609, OMIM 616368.
AFF4-related disorder. Also called: AFF4-related condition.

Submission:

PreventionGenetics, part of Exact Sciences
Classification: Uncertain significance for AFF4-related condition. Last evaluated: 2025-11-05. Review status: criteria provided, single submitter. Criteria: ACMG Guidelines, 2015. Collection method: clinical testing. Allele origin: germline.
Comment: The AFF4 c.2281T>C variant is predicted to result in the amino acid substitution p.Ser761Pro. To our knowledge, this variant has not been reported in the literature or in a large population database (gnomAD), indicating this variant is rare. At this time, the clinical significance of this variant is uncertain due to the absence of conclusive functional and genetic evidence.

NM_014423.4(AFF4):c.2281T>C (p.Ser761Pro)

Gene: AFF4 (ALF transcription elongation factor 4; minus strand). Cytogenetic location: 5q31.1.
Variant type: single nucleotide variant.
Coding change: c.2281T>C on transcript NM_014423.4 (MANE Select); coding-DNA position 2281, T replaced by C.
Protein change: p.Ser761Pro; replaces serine 761 with proline.
Molecular consequence: missense variant.
Genome position (GRCh38, 1-based): chr5:132,896,349, A>G on the plus strand (T>C on the coding strand, the complement: AFF4 is on the minus strand). VCF-style: chr5-132896349-A-G. GRCh37 (hg19) VCF-style: chr5-132232041-A-G.
Other names: short protein forms S761P.
Identifiers: ClinVar variation 2430288 (VCV002430288.3), dbSNP rs2532472249, ClinGen allele CA360932790.